The following is an entry in ClinVar:

NM_000548.5(TSC2):c.2966+121C>G

Gene: TSC2 (TSC complex subunit 2; plus strand). Cytogenetic location: 16p13.3.
Variant type: single nucleotide variant.
Coding change: c.2966+121C>G on transcript NM_000548.5 (MANE Select); 121 bases into the intron after coding-DNA position 2966, C replaced by G.
Molecular consequence: intron variant.
Genome position (GRCh38, 1-based): chr16:2,077,847, C>G. VCF-style: chr16-2077847-C-G. GRCh37 (hg19) VCF-style: chr16-2127848-C-G.
Other names: c.2966+121C>G (NM_001114382.3); c.2838-1185C>G (NM_021055.3, NM_001370405.1, NM_001363528.2); c.2838-1188C>G (NM_001370404.1, NM_001077183.3); c.2727-1185C>G (NM_001318827.2); c.2238-1188C>G (NM_001318831.2); c.2691-1185C>G (NM_001318829.2); c.2871-1188C>G (NM_001318832.2).
Identifiers: ClinVar variation 677253 (VCV000677253.1), dbSNP rs74002771, ClinGen allele CA276744134.

ClinVar aggregate classification (germline): Benign (1 of 4 stars; one submission).

Allele frequency attached by ClinVar (database versions not stated): gnomAD exomes 0.00527; gnomAD 0.05303 and 0.05716; 1000 Genomes Project 0.05511; 1000 Genomes Project 30x 0.05824; TOPMed 0.05988.
gnomAD v4.1: 15,712 of 1,528,420 alleles (1%); highest among the groups gnomAD compares: African/African-American, 18%; 1,361 homozygotes.

Submission:

GeneDx
Classification: Benign. Last evaluated: 2018-06-18. Review status: criteria provided, single submitter. Criteria: GeneDx Variant Classification (06012015). Collection method: clinical testing. Allele origin: germline. Affected: yes.
Comment: This variant is considered likely benign or benign based on one or more of the following criteria: it is a conservative change, it occurs at a poorly conserved position in the protein, it is predicted to be benign by multiple in silico algorithms, and/or has population frequency not consistent with disease.